The following is an entry in ClinVar:

ClinVar aggregate classification (germline): Uncertain significance (1 of 4 stars; one submission).

Allele frequency attached by ClinVar (database versions not stated): gnomAD exomes below 0.00001.
gnomAD v4.1: 1 of 1,614,176 alleles (0.000062%); highest among the groups gnomAD compares: Non-Finnish European, 0.000085%; no homozygotes.

Submission:

Labcorp Genetics (formerly Invitae), Labcorp
Classification: Uncertain significance. Last evaluated: 2023-10-14. Review status: criteria provided, single submitter. Criteria: Invitae Variant Classification Sherloc (09022015). Collection method: clinical testing. Allele origin: germline.
Comment: This sequence change replaces alanine, which is neutral and non-polar, with proline, which is neutral and non-polar, at codon 56 of the TNFRSF11B protein (p.Ala56Pro). This variant is not present in population databases (gnomAD no frequency). This variant has not been reported in the literature in individuals affected with TNFRSF11B-related conditions. Advanced modeling of protein sequence and biophysical properties (such as structural, functional, and spatial information, amino acid conservation, physicochemical variation, residue mobility, and thermodynamic stability) performed at Invitae indicates that this missense variant is not expected to disrupt TNFRSF11B protein function. In summary, the available evidence is currently insufficient to determine the role of this variant in disease. Therefore, it has been classified as a Variant of Uncertain Significance.

NM_002546.4(TNFRSF11B):c.166G>C (p.Ala56Pro)

Gene: TNFRSF11B (TNF receptor superfamily member 11b; minus strand). Cytogenetic location: 8q24.12.
Variant type: single nucleotide variant.
Coding change: c.166G>C on transcript NM_002546.4 (MANE Select); coding-DNA position 166, G replaced by C.
Protein change: p.Ala56Pro; replaces alanine 56 with proline.
Molecular consequence: missense variant.
Genome position (GRCh38, 1-based): chr8:118,933,165, C>G on the plus strand (G>C on the coding strand, the complement: TNFRSF11B is on the minus strand). VCF-style: chr8-118933165-C-G. GRCh37 (hg19) VCF-style: chr8-119945404-C-G.
Other names: short protein forms A56P.
Identifiers: ClinVar variation 2757302 (VCV002757302.3), dbSNP rs2488057431, ClinGen allele CA371920891.